The following is an entry in ClinVar:

NM_174936.4(PCSK9):c.1446G>A (p.Glu482=)

Gene: PCSK9 (proprotein convertase subtilisin/kexin type 9; plus strand). Cytogenetic location: 1p32.3.
Variant type: single nucleotide variant.
Coding change: c.1446G>A on transcript NM_174936.4 (MANE Select); coding-DNA position 1446, G replaced by A.
Protein change: p.Glu482=; no amino-acid change (glutamic acid 482 retained).
Molecular consequence: synonymous variant. On other transcripts: non-coding transcript variant (8), intron variant (1).
Genome position (GRCh38, 1-based): chr1:55,058,590, G>A. VCF-style: chr1-55058590-G-A. GRCh37 (hg19) VCF-style: chr1-55524263-G-A.
Other names: c.1569G>A, p.Glu523= (NM_001407240.1); c.1446G>A, p.Glu482= (NM_001407241.1); c.1449G>A, p.Glu483= (NM_001407242.1); c.1389G>A, p.Glu463= (NM_001407243.1); c.1272G>A, p.Glu424= (NM_001407244.1); c.1254G>A, p.Glu418= (NM_001407245.1); c.1071G>A, p.Glu357= (NM_001407246.1); c.1180+1076G>A (NM_001407247.1).
Identifiers: ClinVar variation 3070249 (VCV003070249.2), dbSNP rs72646518, ClinGen allele CA037056.

ClinVar aggregate classification (germline): Likely benign. Review status: criteria provided, multiple submitters, no conflicts (2 of 4 stars). 2 submissions from 2 submitters: Likely benign (2). Last evaluated 2023-04-03.

Conditions:
Hypercholesterolemia, autosomal dominant, 3 (FHCL3). Also called: PCSK9-Related Familial Hypercholesterolemia, Autosomal Dominant; Familial Hypercholesterolemia, Autosomal Dominant, 3; Familial hypercholesterolemia 3. Identifiers: MedGen C1863551, MONDO:0011369, OMIM 603776.
Familial hypercholesterolemia. Also called: Familial hypercholesterolaemia; Familial hypercholesterolemias. Identifiers: MedGen C0020445, MONDO:0005439.

Allele frequency attached by ClinVar (database versions not stated): ExAC 0.00001; gnomAD exomes 0.00001; TOPMed 0.00001; gnomAD 0.00002; 1000 Genomes Project 0.00020; 1000 Genomes Project 30x 0.00031.
gnomAD v4.1: 6 of 1,612,022 alleles (0.00037%); highest among the groups gnomAD compares: African/African-American, 0.0013%; no homozygotes.

Submissions (2):

All of Us Research Program, National Institutes of Health
Classification: Likely benign for Hypercholesterolemia, autosomal dominant, 3. Last evaluated: 2023-04-03. Review status: criteria provided, single submitter. Criteria: ACMG Guidelines, 2015. Collection method: clinical testing. Allele origin: germline. Inheritance: Autosomal dominant inheritance. Observed: 1 variant allele, 1 heterozygote.
Comment: This study involves interpretation of variants in research participants for the purpose of population health screening. Participant phenotype was not available at the time of variant classification. Additional details can be found in publication PMID: 35346344, PMCID: PMC8962531

Color Diagnostics, LLC DBA Color Health
Classification: Likely benign for Familial hypercholesterolemia. Last evaluated: 2023-03-29. Review status: criteria provided, single submitter. Criteria: ACMG Guidelines, 2015. Collection method: clinical testing. Allele origin: germline.